The following is an entry in ClinVar:

ClinVar aggregate classification (germline): Uncertain significance. Review status: criteria provided, multiple submitters, no conflicts (2 of 4 stars). 3 submissions from 3 submitters: Uncertain significance (3). Last evaluated 2025-07-07.

Conditions:
Dyskeratosis congenita, autosomal recessive 6 (DKCB6). Identifiers: MedGen C4225356, MONDO:0014600, OMIM 616353.
Pulmonary fibrosis and/or bone marrow failure, Telomere-related, 4. Also called: PULMONARY FIBROSIS AND/OR BONE MARROW FAILURE SYNDROME, TELOMERE-RELATED, 4. Identifiers: Orphanet 2032, MedGen C4225347, MONDO:0014612, OMIM 616371.

Allele frequency attached by ClinVar (database versions not stated): gnomAD exomes below 0.00001.
gnomAD v4.1: 4 of 1,598,842 alleles (0.00025%); highest among the groups gnomAD compares: East Asian, 0.0045%; no homozygotes.

Submissions (3):

Labcorp Genetics (formerly Invitae), Labcorp
Classification: Uncertain significance for Dyskeratosis congenita, autosomal recessive 6; Pulmonary fibrosis and/or bone marrow failure, Telomere-related, 4. Last evaluated: 2025-07-07. Review status: criteria provided, single submitter. Criteria: Invitae Variant Classification Sherloc (09022015). Collection method: clinical testing. Allele origin: germline.
Comment: This sequence change replaces aspartic acid, which is acidic and polar, with glycine, which is neutral and non-polar, at codon 245 of the PARN protein (p.Asp245Gly). The frequency data for this variant in the population databases is considered unreliable, as metrics indicate poor data quality at this position in the gnomAD database. This variant has not been reported in the literature in individuals affected with PARN-related conditions. ClinVar contains an entry for this variant (Variation ID: 1988468). Invitae Evidence Modeling of protein sequence and biophysical properties (such as structural, functional, and spatial information, amino acid conservation, physicochemical variation, residue mobility, and thermodynamic stability) indicates that this missense variant is not expected to disrupt PARN protein function with a negative predictive value of 80%. In summary, the available evidence is currently insufficient to determine the role of this variant in disease. Therefore, it has been classified as a Variant of Uncertain Significance.

Fulgent Genetics
Classification: Uncertain significance for Dyskeratosis congenita, autosomal recessive 6; Pulmonary fibrosis and/or bone marrow failure, Telomere-related, 4. Last evaluated: 2024-04-16. Review status: criteria provided, single submitter. Criteria: ACMG Guidelines, 2015. Collection method: clinical testing. Allele origin: germline.

CeGaT Center for Human Genetics Tuebingen
Classification: Uncertain significance. Last evaluated: 2024-03-01. Review status: criteria provided, single submitter. Criteria: CeGaT Center For Human Genetics Tuebingen Variant Classification Criteria Version 2. Collection method: clinical testing. Allele origin: germline. Affected: yes. Observed: 1 variant allele.
Comment: PARN: PM2

NM_002582.4(PARN):c.734A>G (p.Asp245Gly)

Gene: PARN (poly(A)-specific ribonuclease; minus strand). Cytogenetic location: 16p13.12.
Variant type: single nucleotide variant.
Coding change: c.734A>G on transcript NM_002582.4 (MANE Select); coding-DNA position 734, A replaced by G.
Protein change: p.Asp245Gly; replaces aspartic acid 245 with glycine.
Molecular consequence: missense variant.
Genome position (GRCh38, 1-based): chr16:14,604,195, T>C on the plus strand (A>G on the coding strand, the complement: PARN is on the minus strand). VCF-style: chr16-14604195-T-C. GRCh37 (hg19) VCF-style: chr16-14698052-T-C.
Other names: c.551A>G, p.Asp184Gly (NM_001134477.3); c.596A>G, p.Asp199Gly (NM_001242992.2); c.734A>G (NM_002582.3); short protein forms D245G, D184G, D199G.
Identifiers: ClinVar variation 1988468 (VCV001988468.26), dbSNP rs1195772798, ClinGen allele CA394807752.